The following is an entry in ClinVar:

NM_001364905.1(LRBA):c.2820A>G (p.Gln940=)

Gene: LRBA (LPS responsive beige-like anchor protein; minus strand). Cytogenetic location: 4q31.3.
Variant type: single nucleotide variant.
Coding change: c.2820A>G on transcript NM_001364905.1 (MANE Select); coding-DNA position 2820, A replaced by G.
Protein change: p.Gln940=; no amino-acid change (glutamine 940 retained).
Molecular consequence: synonymous variant.
Genome position (GRCh38, 1-based): chr4:150,852,890, T>C on the plus strand (A>G on the coding strand, the complement: LRBA is on the minus strand). VCF-style: chr4-150852890-T-C. GRCh37 (hg19) VCF-style: chr4-151774042-T-C.
Other names: c.2820A>G, p.Gln940= (NM_001199282.3, NM_001367550.1, NM_006726.5).
Identifiers: ClinVar variation 2018710 (VCV002018710.29), dbSNP rs2546502869, ClinGen allele CA441760435.
Genomic context (GRCh38, chr4:150,852,890, plus strand): 5'-GCCAGAGGCTGCTTGAACTGAAGTTGAAGAACACAGCCCTATTTCTTCATCAACTTTTCC[T>C]TGCTGTTCCCTAAATATATTGGCAAGGTTTTCTTTGTGTATTTCAAAAGTGACCTAGGTG-3'
Protein context (NP_001351834.1, residues 930-950): ENLANIFREQ[Gln940=]GKVDEEIGLC

ClinVar aggregate classification (germline): Likely benign. Review status: criteria provided, multiple submitters, no conflicts (2 of 4 stars). 2 submissions from 2 submitters: Likely benign (2). Last evaluated 2023-08-01.

Conditions:
Combined immunodeficiency due to LRBA deficiency. Also called: Common variable immunodeficiency 8, with autoimmunity. Identifiers: Orphanet 445018, MedGen C3553512, MONDO:0013863, OMIM 614700.

Submissions (2):

CeGaT Center for Human Genetics Tuebingen
Classification: Likely benign. Last evaluated: 2023-08-01. Review status: criteria provided, single submitter. Criteria: CeGaT Center For Human Genetics Tuebingen Variant Classification Criteria Version 2. Collection method: clinical testing. Allele origin: germline. Affected: yes. Observed: 1 variant allele.
Comment: LRBA: PM2:Supporting, BP4, BP7

Labcorp Genetics (formerly Invitae), Labcorp
Classification: Likely benign for Combined immunodeficiency due to LRBA deficiency. Last evaluated: 2022-07-22. Review status: criteria provided, single submitter. Criteria: Invitae Variant Classification Sherloc (09022015). Collection method: clinical testing. Allele origin: germline.